The following is an entry in ClinVar:

ClinVar aggregate classification (germline): Uncertain significance (1 of 4 stars; one submission).

Allele frequency attached by ClinVar (database versions not stated): gnomAD exomes 0.00001.
gnomAD v4.1: 8 of 1,211,792 alleles (0.00066%); highest among the groups gnomAD compares: Non-Finnish European, 0.00089%; no homozygotes.

Submission:

GeneDx
Classification: Uncertain significance. Last evaluated: 2022-11-03. Review status: criteria provided, single submitter. Criteria: GeneDx Variant Classification Process June 2021. Collection method: clinical testing. Allele origin: germline. Affected: yes.
Comment: Not observed at significant frequency in large population cohorts (gnomAD); In silico analysis supports that this missense variant has a deleterious effect on protein structure/function; Has not been previously published as pathogenic or benign to our knowledge

NM_005647.4(TBL1X):c.766G>A (p.Ala256Thr)

Gene: TBL1X (transducin beta like 1 X-linked; plus strand). Cytogenetic location: Xp22.2.
Variant type: single nucleotide variant.
Coding change: c.766G>A on transcript NM_005647.4 (MANE Select); coding-DNA position 766, G replaced by A.
Protein change: p.Ala256Thr; replaces alanine 256 with threonine.
Molecular consequence: missense variant.
Genome position (GRCh38, 1-based): chrX:9,692,129, G>A. VCF-style: chrX-9692129-G-A. GRCh37 (hg19) VCF-style: chrX-9660169-G-A.
Other names: c.766G>A, p.Ala256Thr (NM_001139466.1); c.613G>A, p.Ala205Thr (NM_001139467.1, NM_001139468.1); short protein forms A205T, A256T.
Identifiers: ClinVar variation 2501383 (VCV002501383.1), dbSNP rs2518582302, ClinGen allele CA412000027.